The following is an entry in ClinVar:

ClinVar aggregate classification (germline): Uncertain significance (1 of 4 stars; one submission).

Conditions:
Baller-Gerold syndrome (BGS). Also called: CRANIOSYNOSTOSIS WITH RADIAL DEFECTS. Identifiers: Orphanet 1225, MedGen C0265308, MONDO:0009039, OMIM 218600.

Submission:

Labcorp Genetics (formerly Invitae), Labcorp
Classification: Uncertain significance for Baller-Gerold syndrome. Last evaluated: 2025-01-13. Review status: criteria provided, single submitter. Criteria: Invitae Variant Classification Sherloc (09022015). Collection method: clinical testing. Allele origin: germline.
Comment: This variant, c.1473_1475dup, results in the insertion of 1 amino acid(s) of the RECQL4 protein (p.Arg491_Ile492insMet), but otherwise preserves the integrity of the reading frame. This variant is not present in population databases (gnomAD no frequency). This variant has not been reported in the literature in individuals affected with RECQL4-related conditions. In summary, the available evidence is currently insufficient to determine the role of this variant in disease. Therefore, it has been classified as a Variant of Uncertain Significance.

NM_004260.4(RECQL4):c.1473_1475dup (p.Arg491_Ile492insMet)

Gene: RECQL4 (RecQ like helicase 4; minus strand). Cytogenetic location: 8q24.3.
Variant type: Duplication.
Coding change: c.1473_1475dup on transcript NM_004260.4 (MANE Select); coding-DNA positions 1473 to 1475, 3 bases duplicated (GAT; older notation c.1473_1475dupGAT).
Protein change: p.Arg491_Ile492insMet.
Molecular consequence: non-coding transcript variant (on NR_182090.1).
Genome position (GRCh38, 1-based): chr8:144,515,158-144,515,160, ATC duplicated on the plus strand (GAT on the coding strand, the reverse complement: RECQL4 is on the minus strand). VCF-style (leftmost placement, unchanged base first): chr8-144515157-G-GATC. GRCh37 (hg19) VCF-style: chr8-145740541-G-GATC.
Other names: c.1377_1379dup, p.Arg459_Ile460insMet (NM_001413017.1, NM_001413020.1); c.1473_1475dup, p.Arg491_Ile492insMet (NM_001413018.1, NM_001413019.1, NM_001413033.1 and 2 more transcripts); c.402_404dup, p.Arg134_Ile135insMet (NM_001413021.1, NM_001413022.1, NM_001413023.1 and 8 more transcripts); c.1344_1346dup, p.Arg448_Ile449insMet (NM_001413025.1); c.336_338dup, p.Arg112_Ile113insMet (NM_001413027.1, NM_001413030.1, NM_001413031.1 and 2 more transcripts); c.1122_1124dup, p.Arg374_Ile375insMet (NM_001413029.1); c.6_8dup, p.Arg2_Ile3insMet (NM_001413043.1).
Identifiers: ClinVar variation 3728893 (VCV003728893.2).